The following is an entry in ClinVar:

NM_153460.4(IL17RC):c.2087T>G (p.Phe696Cys)

Genes: IL17RC (interleukin 17 receptor C; plus strand), LOC129936144 (ATAC-STARR-seq lymphoblastoid silent region 14051; plus strand). Cytogenetic location: 3p25.3.
Variant type: single nucleotide variant.
Coding change: c.2087T>G on transcript NM_153460.4 (MANE Select); coding-DNA position 2087, T replaced by G.
Protein change: p.Phe696Cys; replaces phenylalanine 696 with cysteine.
Molecular consequence: missense variant. On other transcripts: non-coding transcript variant (1).
Genome position (GRCh38, 1-based): chr3:9,933,517, T>G. VCF-style: chr3-9933517-T-G. GRCh37 (hg19) VCF-style: chr3-9975201-T-G.
Other names: c.2048T>G, p.Phe683Cys (NM_001203263.2); c.1997T>G, p.Phe666Cys (NM_001203264.2); c.1991T>G, p.Phe664Cys (NM_001203265.2); c.2009T>G, p.Phe670Cys (NM_001367278.1); c.1928T>G, p.Phe643Cys (NM_001367279.1); c.2003T>G, p.Phe668Cys (NM_001367280.1); c.1952T>G, p.Phe651Cys (NM_001410711.1); c.2042T>G, p.Phe681Cys (NM_032732.6); and 1 more; short protein forms F651C, F664C, F696C, F666C, F668C, F670C, F681C, F767C.
Identifiers: ClinVar variation 3722440 (VCV003722440.2).

ClinVar aggregate classification (germline): Uncertain significance (1 of 4 stars; one submission).

Conditions:
Candidiasis, familial, 9 (CANDF9). Identifiers: Orphanet 1334, MedGen C4225324, MONDO:0014642, OMIM 616445.

Submission:

Labcorp Genetics (formerly Invitae), Labcorp
Classification: Uncertain significance for Candidiasis, familial, 9. Last evaluated: 2024-10-08. Review status: criteria provided, single submitter. Criteria: Invitae Variant Classification Sherloc (09022015). Collection method: clinical testing. Allele origin: germline.
Comment: This sequence change replaces phenylalanine, which is neutral and non-polar, with cysteine, which is neutral and slightly polar, at codon 767 of the IL17RC protein (p.Phe767Cys). This variant is not present in population databases (gnomAD no frequency). This variant has not been reported in the literature in individuals affected with IL17RC-related conditions. An algorithm developed to predict the effect of missense changes on protein structure and function (PolyPhen-2) suggests that this variant is likely to be disruptive. In summary, the available evidence is currently insufficient to determine the role of this variant in disease. Therefore, it has been classified as a Variant of Uncertain Significance.